The following is an entry in ClinVar:

ClinVar aggregate classification (germline): Conflicting classifications of pathogenicity. Review status: criteria provided, conflicting classifications (1 of 4 stars). 3 submissions from 3 submitters: Uncertain significance (2); Likely benign (1). Last evaluated 2026-06-05.

Conditions:
Neurofibromatosis, type 1 (NF1). Also called: Neurofibromatosis, type I; VON RECKLINGHAUSEN DISEASE; NEUROFIBROMATOSIS, TYPE I, SOMATIC; Peripheral type neurofibromatosis. Identifiers: Orphanet 636, MedGen C0027831, MONDO:0018975, OMIM 162200. Disease mechanism: loss of function.
Hereditary cancer-predisposing syndrome. Also called: Tumor predisposition; Hereditary neoplastic syndrome; Neoplastic Syndromes, Hereditary; Hereditary Cancer Syndrome. Identifiers: Orphanet 140162, MedGen C0027672, MeSH D009386, MONDO:0015356.
Cardiovascular phenotype. Identifiers: MedGen CN230736.

Allele frequency attached by ClinVar (database versions not stated): gnomAD 0.00001; ESP Exome Variant Server 0.00008; TOPMed 0.00001.
gnomAD v4.1: 2 of 1,613,922 alleles (0.00012%); highest among the groups gnomAD compares: East Asian, 0.0022%; no homozygotes.

Submissions (3):

Ambry Genetics
Classification: Likely benign for Cardiovascular phenotype; Hereditary cancer-predisposing syndrome. Last evaluated: 2026-06-05. Review status: criteria provided, single submitter. Criteria: Ambry Variant Classification Scheme 2023. Collection method: clinical testing. Allele origin: germline.

Labcorp Genetics (formerly Invitae), Labcorp
Classification: Uncertain significance for Neurofibromatosis, type 1. Last evaluated: 2024-10-28. Review status: criteria provided, single submitter. Criteria: Invitae Variant Classification Sherloc (09022015). Collection method: clinical testing. Allele origin: germline.
Comment: This sequence change replaces asparagine, which is neutral and polar, with serine, which is neutral and polar, at codon 2362 of the NF1 protein (p.Asn2362Ser). This variant is present in population databases (rs146296921, gnomAD 0.06%). This variant has not been reported in the literature in individuals affected with NF1-related conditions. ClinVar contains an entry for this variant (Variation ID: 481941). Invitae Evidence Modeling of protein sequence and biophysical properties (such as structural, functional, and spatial information, amino acid conservation, physicochemical variation, residue mobility, and thermodynamic stability) indicates that this missense variant is not expected to disrupt NF1 protein function with a negative predictive value of 95%. In summary, the available evidence is currently insufficient to determine the role of this variant in disease. Therefore, it has been classified as a Variant of Uncertain Significance.

Genome-Nilou Lab
Classification: Uncertain significance for Neurofibromatosis, type 1. Last evaluated: 2022-03-15. Review status: criteria provided, single submitter. Criteria: ACMG Guidelines, 2015. Collection method: clinical testing. Allele origin: germline. Affected: no.

NM_001042492.3(NF1):c.7148A>G (p.Asn2383Ser)

Gene: NF1 (neurofibromin 1; plus strand). Cytogenetic location: 17q11.2.
Variant type: single nucleotide variant.
Coding change: c.7148A>G on transcript NM_001042492.3 (MANE Select); coding-DNA position 7148, A replaced by G.
Protein change: p.Asn2383Ser; replaces asparagine 2383 with serine.
Molecular consequence: missense variant.
Genome position (GRCh38, 1-based): chr17:31,343,094, A>G. VCF-style: chr17-31343094-A-G. GRCh37 (hg19) VCF-style: chr17-29670112-A-G.
Other names: c.7085A>G, p.Asn2362Ser (NM_000267.4); short protein forms N2383S, N2362S.
Identifiers: ClinVar variation 481941 (VCV000481941.14), dbSNP rs146296921, ClinGen allele CA289396242.
Genomic context (GRCh38, chr17:31,343,094, plus strand): 5'-TCCGGAATCCTCTGGAGTGGCACTGCAAGCAAATGGATCATTTTGTTGGACTCAATTTCA[A>G]CTCTAACTTTAACTTTGCATTGGTTGGACACCTTTTAAAAGGTAAAAAAGCCTTATTTAG-3'
Protein context (NP_001035957.1, residues 2373-2393): QMDHFVGLNF[Asn2383Ser]SNFNFALVGH